The following is an entry in ClinVar:

ClinVar aggregate classification (germline): Uncertain significance. Review status: criteria provided, multiple submitters, no conflicts (2 of 4 stars). 2 submissions from 2 submitters: Uncertain significance (2). Last evaluated 2023-05-24.

Conditions:
Long QT syndrome (LQTS). Identifiers: MedGen C0023976, MeSH D008133, MONDO:0002442. Disease mechanism: loss of function. Inheritance: Various modes of inheritance.

Allele frequency attached by ClinVar (database versions not stated): gnomAD exomes below 0.00001; TOPMed below 0.00001; ExAC 0.00002.
gnomAD v4.1: 3 of 1,612,890 alleles (0.00019%); highest among the groups gnomAD compares: Middle Eastern, 0.017%; no homozygotes.

Submissions (2):

Blueprint Genetics
Classification: Uncertain significance. Last evaluated: 2023-05-24. Review status: criteria provided, single submitter. Criteria: ACMG Guidelines, 2015. Collection method: clinical testing. Allele origin: germline.

Labcorp Genetics (formerly Invitae), Labcorp
Classification: Uncertain significance for Long QT syndrome. Last evaluated: 2022-11-06. Review status: criteria provided, single submitter. Criteria: Invitae Variant Classification Sherloc (09022015). Collection method: clinical testing. Allele origin: germline.
Comment: In summary, the available evidence is currently insufficient to determine the role of this variant in disease. Therefore, it has been classified as a Variant of Uncertain Significance. Advanced modeling of protein sequence and biophysical properties (such as structural, functional, and spatial information, amino acid conservation, physicochemical variation, residue mobility, and thermodynamic stability) performed at Invitae indicates that this missense variant is not expected to disrupt ANK2 protein function. This variant has not been reported in the literature in individuals affected with ANK2-related conditions. This variant is present in population databases (rs749096748, gnomAD 0.002%). This sequence change replaces arginine, which is basic and polar, with glycine, which is neutral and non-polar, at codon 3572 of the ANK2 protein (p.Arg3572Gly).

NM_001148.6(ANK2):c.10714A>G (p.Arg3572Gly)

Gene: ANK2 (ankyrin 2; plus strand). Cytogenetic location: 4q26.
Variant type: single nucleotide variant.
Coding change: c.10714A>G on transcript NM_001148.6 (MANE Select); coding-DNA position 10714, A replaced by G.
Protein change: p.Arg3572Gly; replaces arginine 3572 with glycine.
Molecular consequence: missense variant.
Genome position (GRCh38, 1-based): chr4:113,360,855, A>G. VCF-style: chr4-113360855-A-G. GRCh37 (hg19) VCF-style: chr4-114282011-A-G.
Other names: c.4432A>G, p.Arg1478Gly (NM_001127493.3); c.4471A>G, p.Arg1491Gly (NM_001354225.2); c.4360A>G, p.Arg1454Gly (NM_001354228.2, NM_001354258.2); c.4438A>G, p.Arg1480Gly (NM_001354230.2); c.4501A>G, p.Arg1501Gly (NM_001354231.2, NM_001354242.2); c.4495A>G, p.Arg1499Gly (NM_001354232.2); c.4456A>G, p.Arg1486Gly (NM_001354235.2, NM_001354246.2, NM_001354265.2); c.4357A>G, p.Arg1453Gly (NM_001354236.2); and 35 more; short protein forms R1414G, R1477G, R1478G, R1491G, R1501G, R1502G, R1506G, R3572G.
Identifiers: ClinVar variation 2909100 (VCV002909100.4), dbSNP rs749096748, ClinGen allele CA3052116.